The following is an entry in ClinVar:

ClinVar aggregate classification (germline): Uncertain significance (1 of 4 stars; one submission).

Submission:

Labcorp Genetics (formerly Invitae), Labcorp
Classification: Uncertain significance. Last evaluated: 2022-03-23. Review status: criteria provided, single submitter. Criteria: Invitae Variant Classification Sherloc (09022015). Collection method: clinical testing. Allele origin: germline.
Comment: This variant is not present in population databases (gnomAD no frequency). This variant has not been reported in the literature in individuals affected with GABRA2-related conditions. Algorithms developed to predict the effect of missense changes on protein structure and function are either unavailable or do not agree on the potential impact of this missense change (SIFT: "Not Available"; PolyPhen-2: "Possibly Damaging"; Align-GVGD: "Not Available"). In summary, the available evidence is currently insufficient to determine the role of this variant in disease. Therefore, it has been classified as a Variant of Uncertain Significance. This sequence change replaces serine, which is neutral and polar, with glycine, which is neutral and non-polar, at codon 119 of the GABRA2 protein (p.Ser119Gly).

NM_000807.4(GABRA2):c.355A>G (p.Ser119Gly)

Gene: GABRA2 (gamma-aminobutyric acid type A receptor subunit alpha2; minus strand). Cytogenetic location: 4p12.
Variant type: single nucleotide variant.
Coding change: c.355A>G on transcript NM_000807.4 (MANE Select); coding-DNA position 355, A replaced by G.
Protein change: p.Ser119Gly; replaces serine 119 with glycine.
Molecular consequence: missense variant.
Genome position (GRCh38, 1-based): chr4:46,312,617, T>C on the plus strand (A>G on the coding strand, the complement: GABRA2 is on the minus strand). VCF-style: chr4-46312617-T-C. GRCh37 (hg19) VCF-style: chr4-46314634-T-C.
Other names: c.355A>G, p.Ser119Gly (NM_001114175.3, NM_001330690.2, NM_001377144.1 and 8 more transcripts); c.190A>G, p.Ser64Gly (NM_001286827.3, NM_001377152.1, NM_001377153.1 and 1 more transcripts); short protein forms S119G, S64G.
Identifiers: ClinVar variation 2116290 (VCV002116290.4), dbSNP rs2475692749, ClinGen allele CA356800040.
Genomic context (GRCh38, chr4:46,312,617, plus strand): 5'-TATTATGAGCTACTGATTTTTTCCCATTGTGAAAAAAGGTATCTGGAGTCCAGATTTTGC[T>C]AGCCATTAAATTGTTTAGTCGAAGGATATTCATAGGACCTTTAAATTTTAAACGTTCATC-3'
Protein context (NP_000798.2, residues 109-129): NILRLNNLMA[Ser119Gly]KIWTPDTFFH